The following is an entry in ClinVar:

NM_006073.4(TRDN):c.239C>T (p.Ser80Phe)

Gene: TRDN (triadin; minus strand). Cytogenetic location: 6q22.31.
Variant type: single nucleotide variant.
Coding change: c.239C>T on transcript NM_006073.4 (MANE Select); coding-DNA position 239, C replaced by T.
Protein change: p.Ser80Phe; replaces serine 80 with phenylalanine.
Molecular consequence: missense variant.
Genome position (GRCh38, 1-based): chr6:123,548,606, G>A on the plus strand (C>T on the coding strand, the complement: TRDN is on the minus strand). VCF-style: chr6-123548606-G-A. GRCh37 (hg19) VCF-style: chr6-123869751-G-A.
Other names: c.239C>T, p.Ser80Phe (NM_001251987.2, NM_001256020.2, NM_001256021.2 and 1 more transcripts); short protein forms S80F.
Identifiers: ClinVar variation 449704 (VCV000449704.20), dbSNP rs181287533, ClinGen allele CA3984427.

ClinVar aggregate classification (germline): Conflicting classifications of pathogenicity. Review status: criteria provided, conflicting classifications (1 of 4 stars). 5 submissions from 5 submitters: Uncertain significance (2); Likely benign (2). 1 of the submissions does not count toward it. Last evaluated 2026-02-02.

Conditions:
TRDN-related disorder. Also called: TRDN-related condition.
Cardiovascular phenotype. Identifiers: MedGen CN230736.
Catecholaminergic polymorphic ventricular tachycardia 1. Also called: VENTRICULAR TACHYCARDIA, CATECHOLAMINERGIC POLYMORPHIC, 1, WITH OR WITHOUT ATRIAL DYSFUNCTION AND/OR DILATED CARDIOMYOPATHY; VENTRICULAR TACHYCARDIA, STRESS-INDUCED POLYMORPHIC 1; RYR2-Related Catecholaminergic Polymorphic Ventricular Tachycardia. Identifiers: Orphanet 3286, MedGen C1631597, MONDO:0011484, OMIM 604772.
Catecholaminergic polymorphic ventricular tachycardia 5 (CARDAR). Also called: Ventricular tachycardia, catecholaminergic polymorphic, 5, with or without muscle weakness; CARDIAC ARRHYTHMIA SYNDROME, WITH OR WITHOUT SKELETAL MUSCLE WEAKNESS. Identifiers: Orphanet 3286, MedGen C3809536, MONDO:0014191, OMIM 615441.

Allele frequency attached by ClinVar (database versions not stated): gnomAD 0.00015 and 0.00016; ExAC 0.00036; TOPMed 0.00036; gnomAD exomes 0.00040; 1000 Genomes Project 0.00060; 1000 Genomes Project 30x 0.00062.
gnomAD v4.1: 82 of 1,401,120 alleles (0.0059%); highest among the groups gnomAD compares: Admixed American, 0.25%; 1 homozygote.

Submissions (5):

Labcorp Genetics (formerly Invitae), Labcorp
Classification: Likely benign for Catecholaminergic polymorphic ventricular tachycardia 1. Last evaluated: 2026-02-02. Review status: criteria provided, single submitter. Criteria: Invitae Variant Classification Sherloc (09022015). Collection method: clinical testing. Allele origin: germline.

Ambry Genetics
Classification: Likely benign for Cardiovascular phenotype. Last evaluated: 2023-08-30. Review status: criteria provided, single submitter. Criteria: Ambry Variant Classification Scheme 2023. Collection method: clinical testing. Allele origin: germline.

Center for Genomics, Ann and Robert H. Lurie Children's Hospital of Chicago
Classification: Uncertain significance for Catecholaminergic polymorphic ventricular tachycardia 5. Last evaluated: 2021-03-30. Review status: criteria provided, single submitter. Criteria: ACMG Guidelines, 2015. Collection method: clinical testing. Allele origin: germline.
Comment: TRDN NM_006073.3 exon 3 p. Ser80Phe (c.239C>T): This variant has not been reported in the literature and is present in 0.66% (35/5298) of Latino alleles in the Genome Aggregation Database, including one homozygote. This variant is present in ClinVar (Variation ID:449704). Evolutionary conservation and computational predictive tools suggest that this variant may impact the protein. In summary, data on this variant is insufficient for disease classification. Therefore, the clinical significance of this variant is uncertain.

GeneDx
Classification: Uncertain significance. Last evaluated: 2017-09-08. Review status: criteria provided, single submitter. Criteria: GeneDx Variant Classification (06012015). Collection method: clinical testing. Allele origin: germline. Affected: yes.
Comment: The S80F variant has not been published as pathogenic or been reported as benign to our knowledge. The S80F variant is a non-conservative amino acid substitution, which is likely to impact secondary protein structure as these residues differ in polarity, charge, size and/or other properties. This substitution occurs at a position that is conserved across species, and in silico analysis predicts this variant is probably damaging to the protein structure/function. The Exome Aggregation Consortium reports S80F was observed in 13/1,450 (0.9%) alleles from individuals of Latino background, including one homozygous individual (Lek et al., 2016).

PreventionGenetics, part of Exact Sciences
Classification: Likely benign for TRDN-related condition. Last evaluated: 2019-09-26. Review status: no assertion criteria provided. Collection method: clinical testing. Allele origin: germline. Not counted in ClinVar's aggregate classification.
Comment: This variant is classified as likely benign based on ACMG/AMP sequence variant interpretation guidelines (Richards et al. 2015 PMID: 25741868, with internal and published modifications).